The following is an entry in ClinVar:

ClinVar aggregate classification (germline): Conflicting classifications of pathogenicity. Review status: criteria provided, conflicting classifications (1 of 4 stars). 12 submissions from 12 submitters: Pathogenic (3); Likely pathogenic (4); Uncertain significance (3). 2 of the submissions do not count toward it. Last evaluated 2026-05-26.

Conditions:
Roifman syndrome (RFMN). Also called: SPONDYLOEPIPHYSEAL DYSPLASIA, RETINAL DYSTROPHY, AND ANTIBODY DEFICIENCY. Identifiers: Orphanet 353298, MedGen C1846059, MONDO:0014722, OMIM 616651.
Lowry-Wood syndrome (LWS). Identifiers: Orphanet 1824, MedGen C0796021, MONDO:0009191, OMIM 226960.
RNU4ATAC spectrum disorder. Also called: RNU4atac-opathy. Identifiers: MedGen CN377746, MONDO:0100558.
Osteodysplastic primordial dwarfism, type 1 (MOPD1). Also called: Microcephalic Osteodysplastic Primordial Dwarfism, Type I; BRACHYMELIC PRIMORDIAL DWARFISM; Microcephalic Osteodysplastic Primordial Dwarfism Type I/III (MOPDI) / Taybi-Linder Syndrome; MICROCEPHALIC OSTEODYSPLASTIC PRIMORDIAL DWARFISM, TYPE III; MOPD III; MOPD I. Identifiers: Orphanet 2636, MedGen C1859452, MONDO:0008871, OMIM 210710.

Allele frequency attached by ClinVar (database versions not stated): TOPMed 0.00012.
gnomAD v4.1: 85 of 700,266 alleles (0.012%); highest among the groups gnomAD compares: Admixed American, 0.048%; no homozygotes.

Submissions (12):

Clinical Genetics Laboratory, Skane University Hospital Lund
Classification: Likely pathogenic for RNU4ATAC spectrum disorder. Last evaluated: 2026-05-26. Review status: criteria provided, single submitter. Criteria: ACMG Guidelines, 2015. Collection method: clinical testing. Allele origin: germline. Affected: yes.
Comment: PM1, PM2 and PM3_Strong

GeneDx
Classification: Pathogenic. Last evaluated: 2025-12-17. Review status: criteria provided, single submitter. Criteria: GeneDx Variant Classification Process June 2021. Collection method: clinical testing. Allele origin: germline.
Comment: Located in the critical region of the 5' stem-loop (PMID: 26522830); Located in a non-coding RNA; Not expected to affect secondary structure/function based on location and conservation information; This variant is associated with the following publications: (PMID: 30368667, 32628740, Alomrani 2022[Review])

Labcorp Genetics (formerly Invitae), Labcorp
Classification: Uncertain significance. Last evaluated: 2025-11-19. Review status: criteria provided, single submitter. Criteria: Invitae Variant Classification Sherloc (09022015). Collection method: clinical testing. Allele origin: germline.
Comment: This variant occurs in the RNU4ATAC gene, which encodes an RNA molecule that does not result in a protein product. This variant is present in population databases (rs180755563, gnomAD 0.04%). This variant has been observed in individual(s) with Lowry-Wood syndrome (PMID: 30368667). ClinVar contains an entry for this variant (Variation ID: 692041). This variant is located within the 5' stem-loop region of the RNU4ATAC RNA, which includes the 15.5K binding site and is important for spliceosome assembly (PMID: 32628740). A significant number of disease-associated RNU4ATAC variants are found in this region (PMID: 32628740, 30368667). In summary, the available evidence is currently insufficient to determine the role of this variant in disease. Therefore, it has been classified as a Variant of Uncertain Significance.

CeGaT Center for Human Genetics Tuebingen
Classification: Pathogenic. Last evaluated: 2025-09-01. Review status: criteria provided, single submitter. Criteria: CeGaT Center For Human Genetics Tuebingen Variant Classification Criteria Version 2. Collection method: clinical testing. Allele origin: germline. Affected: yes. Observed: 2 variant alleles.
Comment: RNU4ATAC: PM3:Very Strong, PM2, PM1:Supporting

Broad Center for Mendelian Genomics, Broad Institute of MIT and Harvard
Classification: Uncertain significance for RNU4ATAC spectrum disorder. Last evaluated: 2025-08-25. Review status: criteria provided, single submitter. Criteria: Ellingford et al. (Genome Med. 2022). Collection method: curation. Allele origin: germline. Inheritance: Autosomal recessive inheritance.
Comment: The heterozygous n.53C>T variant in RNU4ATAC was identified by our study, in the compound heterozygous and homozygous state with a pathogenic variant, in two individuals with RNU4ATAC spectrum disorder. The phase of these variants is unknown at this time. This variant in RNU4ATAC has been reported in the literature in one individual with RNU4ATAC spectrum disorder (PMID: 30368667) and has been identified in 0.05% (24/49992) of Admixed American chromosomes by the Genome Aggregation Database (gnomAD; dbSNP rs180755563). Although this variant has been seen in the general population in a heterozygous state, its frequency is not high enough to rule out a pathogenic role. This variant has also been reported in ClinVar (VCV000692041.27) and has been interpreted as pathogenic/likely pathogenic by multiple submitters, and as a variant of uncertain significance by Labcorp Genetics. Of the two affected individuals, one was a compound heterozygote that carried a reported pathogenic variant with unknown phase and one was a homozygote, which increases the likelihood that the n.53C>T variant is pathogenic (VCV000636959.8). The n.53C>T variant is located in the 5' Stem Loop region of RNU4ATAC where several other variants have been identified, suggesting that this variant is in a functional domain and supports pathogenicity (PMID: 26522830, 32628740). In summary, while there is some suspicion for a pathogenic role, the clinical significance of this variant is uncertain. ACMG/AMP Criteria applied: PM1, PM3 (Richards 2015).

Victorian Clinical Genetics Services, Murdoch Childrens Research Institute
Classification: Pathogenic for RNU4ATAC spectrum disorder. Last evaluated: 2025-08-08. Review status: criteria provided, single submitter. Criteria: ACMG Guidelines, 2015. Collection method: clinical testing. Allele origin: germline. Affected: yes.
Comment: This variant is classified as Pathogenic. Evidence in support of pathogenic classification: Variant is present in gnomAD <0.01 for a recessive condition (v4: 85 heterozygote(s), 0 homozygote(s)); This variant has strong previous evidence of pathogenicity in unrelated individuals. This variant has been classified as pathogenic or likely pathogenic by multiple clinical laboratories in ClinVar. It has also been reported in a compound heterozygous individual in the literature with Lowry-Wood syndrome (PMID: 30368667). - Another non-coding variant(s) comparable to the one identified in this case has moderate previous evidence for pathogenicity. n.53C>G has been classified as likely pathogenic and pathogenic by clinical laboratories (ClinVar, VCGS internal cases). It has also been reported in the literature in a compound heterozygous fetus with brain and bone malformations (PMID: 21474761); Variant is located in the well-established functional 5' stem-loop structure (PMIDs: 26522830, 24865609). Additional information: Non-coding variant without predicted effect on gene expression of downstream targets. This small nuclear RNA forms part of a spliceosome essential for minor intron splicing (PMID: 26522830); This variant is heterozygous; This gene is associated with autosomal recessive disease; Alternative nucleotide change(s) at the same position are present in gnomAD (Highest allele count: v4: 43 heterozygote(s), 0 homozygote(s); No published functional evidence has been identified for this variant; Loss of function is a known mechanism of disease in this gene and is associated with RNU4ATAC spectrum disorder (MONDO:0100558); Heterozygous variant detected in trans with a second PATHOGENIC heterozygous variant (NR_023343.1(RNU4ATAC):n.51G>A) in a recessive disease.

Blueprint Genetics
Classification: Uncertain significance. Last evaluated: 2024-11-05. Review status: criteria provided, single submitter. Criteria: ACMG Guidelines, 2015. Collection method: clinical testing. Allele origin: germline.

Institute of Human Genetics, Heidelberg University
Classification: Likely pathogenic for Lowry-Wood syndrome. Last evaluated: 2024-10-29. Review status: criteria provided, single submitter. Criteria: ACMG Guidelines, 2015. Collection method: clinical testing. Allele origin: paternal. Affected: yes.
Comment: PM1, PM2_supp_PM3_mod, PM5

3billion
Classification: Likely pathogenic for Roifman syndrome. Last evaluated: 2024-03-11. Review status: criteria provided, single submitter. Criteria: ACMG Guidelines, 2015. Collection method: clinical testing. Allele origin: germline. Affected: yes.
Comment: The variant is observed at an extremely low frequency in the gnomAD v2.1.1 dataset (total allele frequency: 0.014%). Predicted Consequence/Location: Non-coding transcript variant The variant has been reported to be in trans with a pathogenic variant as either compound heterozygous or homozygous in at least one similarly affected unrelated individual (PMID: 21474761). The variant has been reported at least twice as pathogenic without evidence for the classification (ClinVar ID: VCV000030184). Therefore, this variant is classified as Likely pathogenic according to the recommendation of ACMG/AMP guideline.

Rady Children's Institute for Genomic Medicine, Rady Children's Hospital San Diego
Classification: Likely pathogenic for Lowry Wood syndrome. Last evaluated: 2018-07-16. Review status: criteria provided, single submitter. Criteria: ACMG Guidelines, 2015. Collection method: clinical testing. Allele origin: germline. Affected: yes. Observed: 1 variant allele.
Comment: This variant occurs in an element of major importance for splicing in the 5' Stem-loop critical region of the snRNA molecule and is therefore predicted to disrupt minor intron splicing activity (PMID: 26522830). A different nucleotide change as this position was previously reported in a compound heterozygous change in a patient with microcephalic osteodysplastic primordial dwarfism type 1 (MOPD 1) (PMID: 21474761). The variant is absent from the ExAC and gnomAD population databases and thus is presumed to be rare. This variant was detected in trans with another CLASP1 variant classified as likely pathogenic . Based on the available evidence the variant is classified as Likely Pathogenic.

OMIM
Classification: Pathogenic for LOWRY-WOOD SYNDROME. Last evaluated: 2020-09-11. Review status: no assertion criteria provided. Collection method: literature only. Allele origin: germline. Not counted in ClinVar's aggregate classification.

Service de Génétique Moléculaire, Hôpital Robert Debré
Classification: Likely pathogenic for Osteodysplastic primordial dwarfism, type 1. Review status: no assertion criteria provided. Collection method: clinical testing. Allele origin: unknown. Affected: yes. Not counted in ClinVar's aggregate classification.

Literature cited by the submitters: PubMed 30368667 (cited by 4 submitters); PubMed 32628740 (cited by Labcorp Genetics (formerly Invitae), Labcorp); PubMed 26522830 (cited by Victorian Clinical Genetics Services, Murdoch Childrens Research Institute); PubMed 24865609 (cited by Victorian Clinical Genetics Services, Murdoch Childrens Research Institute); PubMed 21474761 (cited by Victorian Clinical Genetics Services, Murdoch Childrens Research Institute); PubMed 12605445 (cited by OMIM).

NM_001395891.1(CLASP1):c.196-607G>A

Genes: CLASP1 (cytoplasmic linker associated protein 1; minus strand), CLASP1-AS1 (CLASP1 antisense RNA 1; plus strand), RNU4ATAC (RNA, U4atac small nuclear; plus strand). Cytogenetic location: 2q14.2.
Variant type: single nucleotide variant.
Coding change: c.196-607G>A on transcript NM_001395891.1 (MANE Select); 607 bases into the intron before coding-DNA position 196, G replaced by A.
Molecular consequence: intron variant.
Genome position (GRCh38, 1-based): chr2:121,530,932, C>T on the plus strand (G>A on the coding strand, the complement: CLASP1 is on the minus strand). VCF-style: chr2-121530932-C-T. GRCh37 (hg19) VCF-style: chr2-122288508-C-T.
Other names: 53C-T; c.196-607G>A (NM_001142274.2, NM_015282.3, NM_001378003.1 and 4 more transcripts).
Identifiers: ClinVar variation 692041 (VCV000692041.44), dbSNP rs180755563, ClinGen allele CA54810862.